The following is an entry in ClinVar:

ClinVar aggregate classification (germline): Likely benign. Review status: criteria provided, multiple submitters, no conflicts (2 of 4 stars). 3 submissions from 3 submitters: Likely benign (3). Last evaluated 2025-10-12.

Conditions:
LTBP3-related disorder. Also called: LTBP3-related condition.
Inborn genetic diseases. Identifiers: MedGen C0950123, MeSH D030342.
Brachyolmia-amelogenesis imperfecta syndrome. Also called: Tooth agenesis, selective, 6; Dental anomalies and short stature; PLATYSPONDYLY WITH AMELOGENESIS IMPERFECTA. Identifiers: Orphanet 2899, MedGen C1832594, MONDO:0011018, OMIM 601216. Disease mechanism: loss of function.

Allele frequency attached by ClinVar (database versions not stated): gnomAD exomes below 0.00001.
gnomAD v4.1: 3 of 1,612,874 alleles (0.00019%); highest among the groups gnomAD compares: Non-Finnish European, 0.00025%; no homozygotes.

Submissions (3):

PreventionGenetics, part of Exact Sciences
Classification: Likely benign for LTBP3-related condition. Last evaluated: 2025-10-12. Review status: criteria provided, single submitter. Criteria: ACMG Guidelines, 2015. Collection method: clinical testing. Allele origin: germline.
Comment: This variant is classified as likely benign based on ACMG/AMP sequence variant interpretation guidelines (Richards et al. 2015 PMID: 25741868, with internal and published modifications).

Labcorp Genetics (formerly Invitae), Labcorp
Classification: Likely benign for Brachyolmia-amelogenesis imperfecta syndrome. Last evaluated: 2024-03-01. Review status: criteria provided, single submitter. Criteria: Invitae Variant Classification Sherloc (09022015). Collection method: clinical testing. Allele origin: germline.

Ambry Genetics
Classification: Likely benign for Inborn genetic diseases. Last evaluated: 2023-12-29. Review status: criteria provided, single submitter. Criteria: Ambry Variant Classification Scheme 2023. Collection method: clinical testing. Allele origin: germline.

NM_001130144.3(LTBP3):c.3594C>T (p.Asp1198=)

Gene: LTBP3 (latent transforming growth factor beta binding protein 3; minus strand). Cytogenetic location: 11q13.1.
Variant type: single nucleotide variant.
Coding change: c.3594C>T on transcript NM_001130144.3 (MANE Select); coding-DNA position 3594, C replaced by T.
Protein change: p.Asp1198=; no amino-acid change (aspartic acid 1198 retained).
Molecular consequence: synonymous variant.
Genome position (GRCh38, 1-based): chr11:65,539,582, G>A on the plus strand (C>T on the coding strand, the complement: LTBP3 is on the minus strand). VCF-style: chr11-65539582-G-A. GRCh37 (hg19) VCF-style: chr11-65307053-G-A.
Other names: c.3102C>T, p.Asp1034= (NM_001164266.1); c.3453C>T, p.Asp1151= (NM_021070.4).
Identifiers: ClinVar variation 3233178 (VCV003233178.4), dbSNP rs1855968826, ClinGen allele CA475179985.
Genomic context (GRCh38, chr11:65,539,582, plus strand): 5'-CCACCGCCCGACCCGGCAGCACTCACCTCTTGGGGGCTTCCCCAACAGCAGGGGGCTTGT[G>A]TCCCAGAAGGAATTGCTCTCGCTCTGCGATGTCGGGCAATGGGACCCTGGGAGGAGCAGA-3'
Protein context (NP_001123616.1, residues 1188-1208): TSQSESNSFW[Asp1198=]TSPLLLGKPP